The following is an entry in ClinVar:

NM_001103.4(ACTN2):c.1840-1G>A

Gene: ACTN2 (actinin alpha 2; plus strand). Cytogenetic location: 1q43.
Variant type: single nucleotide variant.
Coding change: c.1840-1G>A on transcript NM_001103.4 (MANE Select); the canonical splice acceptor site of the intron before coding-DNA position 1840, G replaced by A.
Molecular consequence: splice acceptor variant.
Genome position (GRCh38, 1-based): chr1:236,753,946, G>A. VCF-style: chr1-236753946-G-A. GRCh37 (hg19) VCF-style: chr1-236917246-G-A.
Other names: c.1840-1G>A (NM_001278343.2).
Identifiers: ClinVar variation 4530632 (VCV004530632.3).

ClinVar aggregate classification (germline): Conflicting classifications of pathogenicity. Review status: criteria provided, conflicting classifications (1 of 4 stars). 2 submissions from 2 submitters: Likely pathogenic (1); Uncertain significance (1). Last evaluated 2026-05-01.

Conditions:
Dilated cardiomyopathy 1AA (CMD1AA). Also called: CARDIOMYOPATHY, DILATED, 1AA, WITH OR WITHOUT LEFT VENTRICULAR NONCOMPACTION; CARDIOMYOPATHY, FAMILIAL HYPERTROPHIC, 23, WITH OR WITHOUT LEFT VENTRICULAR NONCOMPACTION; Cardiomyopathy, dilated, 1AA, with or without LVNC. Identifiers: Orphanet 154, MedGen C2677338, MONDO:0012808, OMIM 612158.

Submissions (2):

CeGaT Center for Human Genetics Tuebingen
Classification: Uncertain significance. Last evaluated: 2026-05-01. Review status: criteria provided, single submitter. Criteria: CeGaT Center For Human Genetics Tuebingen Variant Classification Criteria Version 2. Collection method: clinical testing. Allele origin: germline. Affected: yes. Observed: 1 variant allele.
Comment: ACTN2: PM2, PVS1:Moderate, PS1:Supporting

KardioGenetik, Herz- und Diabeteszentrum NRW
Classification: Likely pathogenic for Dilated cardiomyopathy 1AA. Last evaluated: 2025-09-17. Review status: criteria provided, single submitter. Criteria: ACMG Guidelines, 2015. Collection method: clinical testing. Allele origin: unknown. Affected: yes. Observed: 1 variant allele.
Comment: The ACTN2 variant c.1840-1G>A is a nucleotide substitution located at the canonical acceptor splice site. According to bioinformatic predictions, this alteration is expected to affect splicing and may lead to exon 16 skipping. No data on the allele frequency of this variant in population cohorts is available in public databases (e.g., gnomAD). Furthermore, there are no published studies specifically addressing this variant. However, evidence supporting the pathogenicity of the variant identified in the patient includes a report on the adjacent splice-site variant c.1840-2A>T (PMID 36116040). The authors identified this variant in a small family with adult-onset distal myopathy. RNA sequencing data from a muscle biopsy of the index patient revealed the use of an alternative acceptor splice site, resulting in the deletion of the first 39 nucleotides of exon 16. It remains unclear whether the effect described as c.1840_1878del p.(Val614_Gln626del) also applies to the c.1840-1G>A variant found in the patient. PVS1_moderate, PS1, PM2_supporting

Literature cited by the submitters: PubMed 36116040 (cited by KardioGenetik, Herz- und Diabeteszentrum NRW).